The following is an entry in ClinVar:

ClinVar aggregate classification (germline): Uncertain significance (1 of 4 stars; one submission).

Conditions:
Hereditary cancer-predisposing syndrome. Also called: Tumor predisposition; Hereditary Cancer Syndrome; Hereditary neoplastic syndrome; Neoplastic Syndromes, Hereditary. Identifiers: Orphanet 140162, MedGen C0027672, MeSH D009386, MONDO:0015356.

Submission:

Ambry Genetics
Classification: Uncertain significance for Hereditary cancer-predisposing syndrome. Last evaluated: 2025-11-15. Review status: criteria provided, single submitter. Criteria: Ambry Variant Classification Scheme 2023. Collection method: clinical testing. Allele origin: germline.
Comment: The p.L596P variant (also known as c.1787T>C), located in coding exon 18 of the RB1 gene, results from a T to C substitution at nucleotide position 1787. The leucine at codon 596 is replaced by proline, an amino acid with similar properties. This amino acid position is conserved. In addition, this alteration is predicted to be deleterious by in silico analysis. Based on the available evidence, the clinical significance of this variant remains unclear.

NM_000321.3(RB1):c.1787T>C (p.Leu596Pro)

Gene: RB1 (RB transcriptional corepressor 1; plus strand). Cytogenetic location: 13q14.2.
Variant type: single nucleotide variant.
Coding change: c.1787T>C on transcript NM_000321.3 (MANE Select); coding-DNA position 1787, T replaced by C.
Protein change: p.Leu596Pro; replaces leucine 596 with proline.
Molecular consequence: missense variant.
Genome position (GRCh38, 1-based): chr13:48,453,084, T>C. VCF-style: chr13-48453084-T-C. GRCh37 (hg19) VCF-style: chr13-49027220-T-C.
Other names: c.1787T>C, p.Leu596Pro (NM_001407165.1); short protein forms L596P.
Identifiers: ClinVar variation 4544244 (VCV004544244.1).